The following is an entry in ClinVar:

NM_004247.4(EFTUD2):c.1414-5T>A

Gene: EFTUD2 (elongation factor Tu GTP binding domain containing 2; minus strand). Cytogenetic location: 17q21.31.
Variant type: single nucleotide variant.
Coding change: c.1414-5T>A on transcript NM_004247.4 (MANE Select); 5 bases into the intron before coding-DNA position 1414, T replaced by A.
Molecular consequence: intron variant.
Genome position (GRCh38, 1-based): chr17:44,862,911, A>T on the plus strand (T>A on the coding strand, the complement: EFTUD2 is on the minus strand). VCF-style: chr17-44862911-A-T. GRCh37 (hg19) VCF-style: chr17-42940279-A-T.
Other names: c.1309-5T>A (NM_001142605.2); c.1384-5T>A (NM_001258354.2); c.1414-5T>A (NM_001258353.2).
Identifiers: ClinVar variation 2817187 (VCV002817187.3), dbSNP rs1256649853, ClinGen allele CA626145115.

ClinVar aggregate classification (germline): Uncertain significance (1 of 4 stars; one submission).

Allele frequency attached by ClinVar (database versions not stated): gnomAD exomes below 0.00001.
gnomAD v4.1: 1 of 1,606,836 alleles (0.000062%); highest among the groups gnomAD compares: East Asian, 0.0022%; no homozygotes.

Submission:

Labcorp Genetics (formerly Invitae), Labcorp
Classification: Uncertain significance. Last evaluated: 2022-11-28. Review status: criteria provided, single submitter. Criteria: Invitae Variant Classification Sherloc (09022015). Collection method: clinical testing. Allele origin: germline.
Comment: In summary, the available evidence is currently insufficient to determine the role of this variant in disease. Therefore, it has been classified as a Variant of Uncertain Significance. This sequence change falls in intron 15 of the EFTUD2 gene. It does not directly change the encoded amino acid sequence of the EFTUD2 protein. This variant is present in population databases (no rsID available, gnomAD 0.006%). This variant has not been reported in the literature in individuals affected with EFTUD2-related conditions. Algorithms developed to predict the effect of sequence changes on RNA splicing suggest that this variant may create or strengthen a splice site.